The following is an entry in ClinVar:

ClinVar aggregate classification (germline): Uncertain significance. Review status: criteria provided, multiple submitters, no conflicts (2 of 4 stars). 3 submissions from 3 submitters: Uncertain significance (3). Last evaluated 2024-06-03.

Conditions:
Congenital stationary night blindness 1A (CSNB1A). Also called: NYX-Related X-Linked Congenital Stationary Night Blindness; Night blindness, congenital stationary (complete), 1A, X-linked; CSNB, COMPLETE, X-LINKED; HEMERALOPIA-MYOPIA; MYOPIA-NIGHT BLINDNESS; NIGHT BLINDNESS, CONGENITAL STATIONARY, WITH MYOPIA. Identifiers: Orphanet 215, MedGen C3495587, MONDO:0010690, OMIM 310500.

gnomAD v4.1: 1 of 1,151,751 alleles (0.000087%); highest among the groups gnomAD compares: Non-Finnish European, 0.00011%; no homozygotes.

Submissions (3):

Fulgent Genetics
Classification: Uncertain significance for Congenital stationary night blindness 1A. Last evaluated: 2024-06-03. Review status: criteria provided, single submitter. Criteria: ACMG Guidelines, 2015. Collection method: clinical testing. Allele origin: germline.

Blueprint Genetics
Classification: Uncertain significance. Last evaluated: 2021-04-21. Review status: criteria provided, single submitter. Criteria: ACMG Guidelines, 2015. Collection method: clinical testing. Allele origin: germline.

Labcorp Genetics (formerly Invitae), Labcorp
Classification: Uncertain significance. Last evaluated: 2020-08-28. Review status: criteria provided, single submitter. Criteria: Invitae Variant Classification Sherloc (09022015). Collection method: clinical testing. Allele origin: germline.
Comment: This sequence change replaces asparagine with lysine at codon 238 of the NYX protein (p.Asn238Lys). The asparagine residue is highly conserved and there is a moderate physicochemical difference between asparagine and lysine. The frequency data for this variant in the population databases is considered unreliable, as metrics indicate insufficient coverage at this position in the ExAC database. This variant has not been reported in the literature in individuals with NYX-related conditions. Algorithms developed to predict the effect of missense changes on protein structure and function (SIFT, PolyPhen-2, Align-GVGD) all suggest that this variant is likely to be disruptive, but these predictions have not been confirmed by published functional studies and their clinical significance is uncertain. Algorithms developed to predict the effect of sequence changes on RNA splicing suggest that this variant may create or strengthen a splice site, but this prediction has not been confirmed by published transcriptional studies. In summary, the available evidence is currently insufficient to determine the role of this variant in disease. Therefore, it has been classified as a Variant of Uncertain Significance.

NM_001378477.3(NYX):c.699C>G (p.Asn233Lys)

Gene: NYX (nyctalopin; plus strand). Cytogenetic location: Xp11.4.
Variant type: single nucleotide variant.
Coding change: c.699C>G on transcript NM_001378477.3 (MANE Select); coding-DNA position 699, C replaced by G.
Protein change: p.Asn233Lys; replaces asparagine 233 with lysine.
Molecular consequence: missense variant.
Genome position (GRCh38, 1-based): chrX:41,474,167, C>G. VCF-style: chrX-41474167-C-G. GRCh37 (hg19) VCF-style: chrX-41333420-C-G.
Other names: c.699C>G, p.Asn233Lys (NM_022567.3); c.714C>G (NM_022567.2); short protein forms N233K.
Identifiers: ClinVar variation 1024916 (VCV001024916.10), dbSNP rs1439533023, ClinGen allele CA412991087.